The following is an entry in ClinVar:

NM_014264.5(PLK4):c.1915A>G (p.Ile639Val)

Gene: PLK4 (polo like kinase 4; plus strand). Cytogenetic location: 4q28.1.
Variant type: single nucleotide variant.
Coding change: c.1915A>G on transcript NM_014264.5 (MANE Select); coding-DNA position 1915, A replaced by G.
Protein change: p.Ile639Val; replaces isoleucine 639 with valine.
Molecular consequence: missense variant.
Genome position (GRCh38, 1-based): chr4:127,891,176, A>G. VCF-style: chr4-127891176-A-G. GRCh37 (hg19) VCF-style: chr4-128812331-A-G.
Other names: c.1819A>G, p.Ile607Val (NM_001190799.2); c.1792A>G, p.Ile598Val (NM_001190801.2); short protein forms I598V, I607V, I639V.
Identifiers: ClinVar variation 1961196 (VCV001961196.3), dbSNP rs368821403, ClinGen allele CA3076885.

ClinVar aggregate classification (germline): Uncertain significance (1 of 4 stars; one submission).

Allele frequency attached by ClinVar (database versions not stated): gnomAD 0.00001; gnomAD exomes 0.00001; ExAC 0.00002; ESP Exome Variant Server 0.00008.
gnomAD v4.1: 10 of 1,548,306 alleles (0.00065%); highest among the groups gnomAD compares: East Asian, 0.0023%; no homozygotes.

Submission:

Labcorp Genetics (formerly Invitae), Labcorp
Classification: Uncertain significance. Last evaluated: 2022-03-09. Review status: criteria provided, single submitter. Criteria: Invitae Variant Classification Sherloc (09022015). Collection method: clinical testing. Allele origin: germline.
Comment: In summary, the available evidence is currently insufficient to determine the role of this variant in disease. Therefore, it has been classified as a Variant of Uncertain Significance. Algorithms developed to predict the effect of sequence changes on RNA splicing suggest that this variant may create or strengthen a splice site. Algorithms developed to predict the effect of missense changes on protein structure and function output the following: SIFT: "Deleterious"; PolyPhen-2: "Benign"; Align-GVGD: "Class C0". The valine amino acid residue is found in multiple mammalian species, which suggests that this missense change does not adversely affect protein function. This variant has not been reported in the literature in individuals affected with PLK4-related conditions. This variant is present in population databases (rs368821403, gnomAD 0.004%). This sequence change replaces isoleucine, which is neutral and non-polar, with valine, which is neutral and non-polar, at codon 639 of the PLK4 protein (p.Ile639Val).